The following is an entry in ClinVar:

ClinVar aggregate classification (germline): Uncertain significance. Review status: criteria provided, single submitter (1 of 4 stars). 2 submissions from 2 submitters: Uncertain significance (1). 1 of the submissions does not count toward it. Last evaluated 2024-05-18.

Conditions:
PHIP-related disorder. Also called: PHIP-related condition; PHIP-related disorders.

Allele frequency attached by ClinVar (database versions not stated): gnomAD exomes below 0.00001; gnomAD 0.00001.
gnomAD v4.1: 9 of 1,590,592 alleles (0.00057%); highest among the groups gnomAD compares: African/African-American, 0.008%; no homozygotes.

Submissions (2):

Labcorp Genetics (formerly Invitae), Labcorp
Classification: Uncertain significance. Last evaluated: 2024-05-18. Review status: criteria provided, single submitter. Criteria: Invitae Variant Classification Sherloc (09022015). Collection method: clinical testing. Allele origin: germline.
Comment: This sequence change falls in intron 39 of the PHIP gene. It does not directly change the encoded amino acid sequence of the PHIP protein. It affects a nucleotide within the consensus splice site. This variant is not present in population databases (gnomAD no frequency). This variant has not been reported in the literature in individuals affected with PHIP-related conditions. ClinVar contains an entry for this variant (Variation ID: 2065257). Variants that disrupt the consensus splice site are a relatively common cause of aberrant splicing (PMID: 17576681, 9536098). Algorithms developed to predict the effect of sequence changes on RNA splicing suggest that this variant is not likely to affect RNA splicing. In summary, the available evidence is currently insufficient to determine the role of this variant in disease. Therefore, it has been classified as a Variant of Uncertain Significance.

PreventionGenetics, part of Exact Sciences
Classification: Uncertain significance for PHIP-related condition. Last evaluated: 2023-10-24. Review status: no assertion criteria provided. Collection method: clinical testing. Allele origin: germline. Not counted in ClinVar's aggregate classification.
Comment: The PHIP c.4828+5G>A variant is predicted to interfere with splicing. To our knowledge, this variant has not been reported in the literature or in a large population database, indicating this variant is rare. At this time, the clinical significance of this variant is uncertain due to the absence of conclusive functional and genetic evidence.

Literature cited by the submitters: PubMed 17576681 (cited by Labcorp Genetics (formerly Invitae), Labcorp); PubMed 9536098 (cited by Labcorp Genetics (formerly Invitae), Labcorp).

NM_017934.7(PHIP):c.4828+5G>A

Genes: IRAK1BP1 (interleukin 1 receptor associated kinase 1 binding protein 1; plus strand), PHIP (PHIP subunit of CUL4-Ring ligase complex; minus strand). Cytogenetic location: 6q14.1.
Variant type: single nucleotide variant.
Coding change: c.4828+5G>A on transcript NM_017934.7 (MANE Select); 5 bases into the intron after coding-DNA position 4828, G replaced by A.
Molecular consequence: intron variant.
Genome position (GRCh38, 1-based): chr6:78,945,295, C>T on the plus strand (G>A on the coding strand, the complement: PHIP is on the minus strand). VCF-style: chr6-78945295-C-T. GRCh37 (hg19) VCF-style: chr6-79655012-C-T.
Other names: c.4828+5G>A (NM_017934.6).
Identifiers: ClinVar variation 2065257 (VCV002065257.5), dbSNP rs543814235, ClinGen allele CA141843478.
Genomic context (GRCh38, chr6:78,945,295, plus strand): 5'-TCCAACAAAAGCATTATTTATAATAAGGATCTACTGTATCTTGAAAGATACAAGTAATAC[C>T]TTACCTTGCTCAATGACAGCTGATGACTTTGAAAGAGTGGACGCCTTTGGGAGTACAGAT-3'